The following is an entry in ClinVar:

NM_014844.5(TECPR2):c.129dup (p.Asn44fs)

Gene: TECPR2 (tectonin beta-propeller repeat containing 2; plus strand). Cytogenetic location: 14q32.31.
Variant type: Duplication.
Coding change: c.129dup on transcript NM_014844.5 (MANE Select); coding-DNA position 129, one base duplicated (C; older notation c.129dupC).
Protein change: p.Asn44fs; shifts the reading frame from asparagine 44.
Molecular consequence: frameshift variant.
Genome position (GRCh38, 1-based): chr14:102,376,850, C duplicated; the last of 2 consecutive C bases (chr14:102,376,849-102,376,850); duplicating either gives the same sequence. VCF-style (leftmost placement, unchanged base first): chr14-102376848-A-AC. GRCh37 (hg19) VCF-style: chr14-102843185-A-AC.
Other names: c.129dup, p.Asn44fs (NM_001172631.3); short protein forms N44fs.
Identifiers: ClinVar variation 4815739 (VCV004815739.1).

ClinVar aggregate classification (germline): Likely pathogenic (1 of 4 stars; one submission).

Conditions:
Hereditary spastic paraplegia 49 (HSAN9). Also called: TECPR2-Related Hereditary Sensory and Autonomic Neuropathy with Intellectual Disability; Spastic paraplegia 49, autosomal recessive; NEUROPATHY, HEREDITARY SENSORY AND AUTONOMIC, TYPE IX, WITH DEVELOPMENTAL DELAY. Identifiers: Orphanet 320385, MedGen C5190860, MONDO:0014016, OMIM 615031.

Submission:

Natera, Inc.
Classification: Likely pathogenic for Autosomal recessive spastic paraplegia type 49. Last evaluated: 2024-05-01. Review status: criteria provided, single submitter. Criteria: Natera Variant Classification Schema (03/2026). Collection method: clinical testing. Allele origin: germline.
Comment: The c.129dupC variant in TECPR2 is a frameshift variant predicted to shift the reading frame beginning at codon 44 and leads to a stop codon 30 codons downstream. This variant is expected to result in nonsense mediated decay, truncation, or a dysfunctional protein product. This variant is rare in the general population with a frequency below the threshold expected for the associated phenotype(s). Given the available evidence, this variant is classified as Likely Pathogenic.